The following is an entry in ClinVar:

NM_001148.6(ANK2):c.11765G>A (p.Gly3922Glu)

Gene: ANK2 (ankyrin 2; plus strand). Cytogenetic location: 4q26.
Variant type: single nucleotide variant.
Coding change: c.11765G>A on transcript NM_001148.6 (MANE Select); coding-DNA position 11765, G replaced by A.
Protein change: p.Gly3922Glu; replaces glycine 3922 with glutamic acid.
Molecular consequence: missense variant. On other transcripts: intron variant (9).
Genome position (GRCh38, 1-based): chr4:113,373,355, G>A. VCF-style: chr4-113373355-G-A. GRCh37 (hg19) VCF-style: chr4-114294511-G-A.
Other names: c.5483G>A, p.Gly1828Glu (NM_001127493.3); c.5522G>A, p.Gly1841Glu (NM_001354225.2); c.5504G>A, p.Gly1835Glu (NM_001354228.2); c.5489G>A, p.Gly1830Glu (NM_001354230.2); c.5645G>A, p.Gly1882Glu (NM_001354231.2); c.5639G>A, p.Gly1880Glu (NM_001354232.2); c.5600G>A, p.Gly1867Glu (NM_001354235.2); c.5408G>A, p.Gly1803Glu (NM_001354236.2); and 50 more; short protein forms G1676E, G1759E, G1775E, G1782E, G1795E, G1816E, G1830E, G1836E.
Identifiers: ClinVar variation 1740644 (VCV001740644.2), dbSNP rs2154074772, ClinGen allele CA357943666.
Genomic context (GRCh38, chr4:113,373,355, plus strand): 5'-AAATCATTAGGCGGTATGTATCCTCTGAAGGCACAGAGAAAGAAGAGATTATGGTGCAGG[G>A]AATGCCACAGGAACCTGTCAACATCGAGGAAGGGGATGGCTATTCCAAAGTTATAAAGCG-3'
Protein context (NP_001139.3, residues 3912-3932): GTEKEEIMVQ[Gly3922Glu]MPQEPVNIEE

ClinVar aggregate classification (germline): Uncertain significance (1 of 4 stars; one submission).

Conditions:
Cardiovascular phenotype. Identifiers: MedGen CN230736.

Allele frequency attached by ClinVar (database versions not stated): gnomAD exomes below 0.00001.
gnomAD v4.1: 2 of 1,614,168 alleles (0.00012%); highest among the groups gnomAD compares: Admixed American, 0.0033%; no homozygotes.

Submission:

Ambry Genetics
Classification: Uncertain significance for Cardiovascular phenotype. Last evaluated: 2020-03-17. Review status: criteria provided, single submitter. Criteria: Ambry Variant Classification Scheme 2023. Collection method: clinical testing. Allele origin: germline.
Comment: The p.G3922E variant (also known as c.11765G>A), located in coding exon 45 of the ANK2 gene, results from a G to A substitution at nucleotide position 11765. The glycine at codon 3922 is replaced by glutamic acid, an amino acid with similar properties. This amino acid position is highly conserved in available vertebrate species. In addition, this alteration is predicted to be deleterious by in silico analysis. Since supporting evidence is limited at this time, the clinical significance of this alteration remains unclear.